The following is an entry in ClinVar:

ClinVar aggregate classification (germline): Conflicting classifications of pathogenicity. Review status: criteria provided, conflicting classifications (1 of 4 stars). 3 submissions from 3 submitters: Uncertain significance (2); Likely benign (1). Last evaluated 2025-11-22.

Conditions:
Inborn genetic diseases. Identifiers: MedGen C0950123, MeSH D030342.
Combined oxidative phosphorylation defect type 8. Also called: CARDIOMYOPATHY, HYPERTROPHIC MITOCHONDRIAL, FATAL INFANTILE. Identifiers: Orphanet 319504, MedGen C4518839, MONDO:0013570, OMIM 614096.

Allele frequency attached by ClinVar (database versions not stated): ExAC 0.00001; gnomAD exomes 0.00003 and 0.00014; 1000 Genomes Project 30x 0.00016; 1000 Genomes Project 0.00020; TOPMed 0.00041; gnomAD 0.00042 and 0.00043.
gnomAD v4.1: 115 of 1,614,118 alleles (0.0071%); highest among the groups gnomAD compares: Admixed American, 0.17%; no homozygotes.

Submissions (3):

Labcorp Genetics (formerly Invitae), Labcorp
Classification: Likely benign. Last evaluated: 2025-11-22. Review status: criteria provided, single submitter. Criteria: Invitae Variant Classification Sherloc (09022015). Collection method: clinical testing. Allele origin: germline.

Ambry Genetics
Classification: Uncertain significance for Inborn genetic diseases. Last evaluated: 2024-06-11. Review status: criteria provided, single submitter. Criteria: Ambry Variant Classification Scheme 2023. Collection method: clinical testing. Allele origin: germline.

Baylor Genetics
Classification: Uncertain significance for Combined oxidative phosphorylation defect type 8. Last evaluated: 2018-09-14. Review status: criteria provided, single submitter. Criteria: ACMG Guidelines, 2015. Collection method: clinical testing. Allele origin: maternal. Affected: yes.
Comment: This variant was determined to be of uncertain significance according to ACMG Guidelines, 2015 [PMID:25741868].

NM_020745.4(AARS2):c.533C>T (p.Ala178Val)

Gene: AARS2 (alanyl-tRNA synthetase 2, mitochondrial; minus strand). Cytogenetic location: 6p21.1.
Variant type: single nucleotide variant.
Coding change: c.533C>T on transcript NM_020745.4 (MANE Select); coding-DNA position 533, C replaced by T.
Protein change: p.Ala178Val; replaces alanine 178 with valine.
Molecular consequence: missense variant.
Genome position (GRCh38, 1-based): chr6:44,311,438, G>A on the plus strand (C>T on the coding strand, the complement: AARS2 is on the minus strand). VCF-style: chr6-44311438-G-A. GRCh37 (hg19) VCF-style: chr6-44279175-G-A.
Other names: short protein forms A178V.
Identifiers: ClinVar variation 213974 (VCV000213974.10), dbSNP rs200343365, ClinGen allele CA320716.